The following is an entry in ClinVar:

NM_001261826.3(AP3D1):c.2081A>G (p.Gln694Arg)

Gene: AP3D1 (adaptor related protein complex 3 subunit delta 1; minus strand). Cytogenetic location: 19p13.3.
Variant type: single nucleotide variant.
Coding change: c.2081A>G on transcript NM_001261826.3 (MANE Select); coding-DNA position 2081, A replaced by G.
Protein change: p.Gln694Arg; replaces glutamine 694 with arginine.
Molecular consequence: missense variant.
Genome position (GRCh38, 1-based): chr19:2,115,606, T>C on the plus strand (A>G on the coding strand, the complement: AP3D1 is on the minus strand). VCF-style: chr19-2115606-T-C. GRCh37 (hg19) VCF-style: chr19-2115605-T-C.
Other names: c.2081A>G, p.Gln694Arg (NM_001374799.1, NM_003938.8); short protein forms Q694R.
Identifiers: ClinVar variation 1521773 (VCV001521773.6), dbSNP rs905051565, ClinGen allele CA304155872.

ClinVar aggregate classification (germline): Uncertain significance (1 of 4 stars; one submission).

Allele frequency attached by ClinVar (database versions not stated): gnomAD exomes 0.00001.
gnomAD v4.1: 12 of 1,612,284 alleles (0.00074%); highest among the groups gnomAD compares: Non-Finnish European, 0.00093%; no homozygotes.

Submission:

Labcorp Genetics (formerly Invitae), Labcorp
Classification: Uncertain significance. Last evaluated: 2021-08-04. Review status: criteria provided, single submitter. Criteria: Invitae Variant Classification Sherloc (09022015). Collection method: clinical testing. Allele origin: germline.
Comment: In summary, the available evidence is currently insufficient to determine the role of this variant in disease. Therefore, it has been classified as a Variant of Uncertain Significance. Algorithms developed to predict the effect of missense changes on protein structure and function (SIFT, PolyPhen-2, Align-GVGD) all suggest that this variant is likely to be tolerated. This variant has not been reported in the literature in individuals affected with AP3D1-related conditions. This variant is not present in population databases (ExAC no frequency). This sequence change replaces glutamine with arginine at codon 694 of the AP3D1 protein (p.Gln694Arg). The glutamine residue is moderately conserved and there is a small physicochemical difference between glutamine and arginine.